The following is an entry in ClinVar:

NM_001079827.2(CLRN2):c.206G>A (p.Cys69Tyr)

Gene: CLRN2 (clarin 2; plus strand). Cytogenetic location: 4p15.32.
Variant type: single nucleotide variant.
Coding change: c.206G>A on transcript NM_001079827.2 (MANE Select); coding-DNA position 206, G replaced by A.
Protein change: p.Cys69Tyr; replaces cysteine 69 with tyrosine.
Molecular consequence: missense variant.
Genome position (GRCh38, 1-based): chr4:17,515,472, G>A. VCF-style: chr4-17515472-G-A. GRCh37 (hg19) VCF-style: chr4-17517095-G-A.
Other names: short protein forms C69Y.
Identifiers: ClinVar variation 2362909 (VCV002362909.3), dbSNP rs200819557, ClinGen allele CA2868348.

ClinVar aggregate classification (germline): Uncertain significance. Review status: criteria provided, multiple submitters, no conflicts (2 of 4 stars). 2 submissions from 2 submitters: Uncertain significance (2). Last evaluated 2023-07-19.

Conditions:
CLRN2-related disorder. Also called: CLRN2-related condition.

Allele frequency attached by ClinVar (database versions not stated): ExAC 0.00065; ESP Exome Variant Server 0.00099.
gnomAD v4.1: 1,362 of 1,613,994 alleles (0.084%); highest among the groups gnomAD compares: Non-Finnish European, 0.11%; no homozygotes.

Submissions (2):

PreventionGenetics, part of Exact Sciences
Classification: Uncertain significance for CLRN2-related condition. Last evaluated: 2023-07-19. Review status: criteria provided, single submitter. Criteria: ACMG Guidelines, 2015. Collection method: clinical testing. Allele origin: germline.
Comment: The CLRN2 c.206G>A variant is predicted to result in the amino acid substitution p.Cys69Tyr. To our knowledge, this variant has not been reported in the literature. This variant is reported in 0.10% of alleles in individuals of Latino descent in gnomAD. At this time, the clinical significance of this variant is uncertain due to the absence of conclusive functional and genetic evidence.

Ambry Genetics
Classification: Uncertain significance. Last evaluated: 2021-09-16. Review status: criteria provided, single submitter. Criteria: Ambry Variant Classification Scheme 2023. Collection method: clinical testing. Allele origin: germline.